The following is an entry in ClinVar:

ClinVar aggregate classification (germline): Uncertain significance. Review status: criteria provided, multiple submitters, no conflicts (2 of 4 stars). 2 submissions from 2 submitters: Uncertain significance (2). Last evaluated 2021-12-06.

Conditions:
Deficiency of UDPglucose-hexose-1-phosphate uridylyltransferase. Also called: GALT deficiency; Galactosemia, classic; GALACTOSEMIA I; Transferase Deficiency Galactosemia; GALACTOSE-1-PHOSPHATE URIDYLYLTRANSFERASE DEFICIENCY. Identifiers: Orphanet 352, Orphanet 79239, MedGen C0268151, MONDO:0009258, OMIM 230400.

Allele frequency attached by ClinVar (database versions not stated): gnomAD exomes below 0.00001.

Submissions (2):

Labcorp Genetics (formerly Invitae), Labcorp
Classification: Uncertain significance for Deficiency of UDPglucose-hexose-1-phosphate uridylyltransferase. Last evaluated: 2021-12-06. Review status: criteria provided, single submitter. Criteria: Invitae Variant Classification Sherloc (09022015). Collection method: clinical testing. Allele origin: germline.
Comment: In summary, the available evidence is currently insufficient to determine the role of this variant in disease. Therefore, it has been classified as a Variant of Uncertain Significance. Variants that disrupt the consensus splice site are a relatively common cause of aberrant splicing (PMID: 17576681, 9536098). Algorithms developed to predict the effect of sequence changes on RNA splicing suggest that this variant may disrupt the consensus splice site. ClinVar contains an entry for this variant (Variation ID: 287990). This variant has been observed in individual(s) with galactosemia (Invitae). In at least one individual the data is consistent with being in trans (on the opposite chromosome) from a pathogenic variant. This variant is not present in population databases (gnomAD no frequency). This sequence change falls in intron 5 of the GALT gene. It does not directly change the encoded amino acid sequence of the GALT protein. It affects a nucleotide within the consensus splice site.

Eurofins Ntd Llc (ga)
Classification: Uncertain significance. Last evaluated: 2016-05-18. Review status: criteria provided, single submitter. Criteria: EGL Classification Definitions 2015. Collection method: clinical testing. Allele origin: germline. Observed: 1 variant allele, 1 heterozygote.

Literature cited by the submitters: PubMed 17576681 (cited by Labcorp Genetics (formerly Invitae), Labcorp); PubMed 9536098 (cited by Labcorp Genetics (formerly Invitae), Labcorp).

NM_000155.4(GALT):c.507+5G>A

Gene: GALT (galactose-1-phosphate uridylyltransferase; plus strand). Cytogenetic location: 9p13.3.
Variant type: single nucleotide variant.
Coding change: c.507+5G>A on transcript NM_000155.4 (MANE Select); 5 bases into the intron after coding-DNA position 507, G replaced by A.
Molecular consequence: intron variant.
Genome position (GRCh38, 1-based): chr9:34,647,966, G>A. VCF-style: chr9-34647966-G-A. GRCh37 (hg19) VCF-style: chr9-34647963-G-A.
Other names: c.180+5G>A (NM_001258332.2).
Identifiers: ClinVar variation 287990 (VCV000287990.10), dbSNP rs886043775, ClinGen allele CA10605933.